The following is an entry in ClinVar:

NM_000138.5(FBN1):c.442+4A>T

Gene: FBN1 (fibrillin 1; minus strand). Cytogenetic location: 15q21.1.
Variant type: single nucleotide variant.
Coding change: c.442+4A>T on transcript NM_000138.5 (MANE Select); 4 bases into the intron after coding-DNA position 442, A replaced by T.
Molecular consequence: intron variant.
Genome position (GRCh38, 1-based): chr15:48,600,135, T>A on the plus strand (A>T on the coding strand, the complement: FBN1 is on the minus strand). VCF-style: chr15-48600135-T-A. GRCh37 (hg19) VCF-style: chr15-48892332-T-A.
Other names: c.442+4A>T (NM_001406716.1, NM_001406717.1).
Identifiers: ClinVar variation 3074049 (VCV003074049.1), dbSNP rs768207411, ClinGen allele CA052891.

ClinVar aggregate classification (germline): Uncertain significance (1 of 4 stars; one submission).

Conditions:
Marfan syndrome (MFS). Also called: MARFAN SYNDROME, TYPE I; Marfan syndrome type 1; Marfan's syndrome; Marfan syndrome, classic; FBN1-Related Marfan Syndrome. Identifiers: Orphanet 284963, Orphanet 558, MedGen C0024796, MONDO:0007947, OMIM 154700.

Allele frequency attached by ClinVar (database versions not stated): ExAC 0.00001.
gnomAD v4.1: 3 of 1,596,568 alleles (0.00019%); highest among the groups gnomAD compares: East Asian, 0.0022%; no homozygotes.

Submission:

All of Us Research Program, National Institutes of Health
Classification: Uncertain significance for Marfan syndrome. Last evaluated: 2023-10-23. Review status: criteria provided, single submitter. Criteria: ACMG Guidelines, 2015. Collection method: clinical testing. Allele origin: germline. Inheritance: Autosomal dominant inheritance. Observed: 1 variant allele, 1 heterozygote.
Comment: This variant causes an A to T nucleotide substitution at the +4 position of intron 5 of the FBN1 gene. Splice site prediction tools predict that this variant may have a significant impact on RNA splicing. This prediction has not been confirmed in published RNA studies. This variant has not been reported in individuals affected with FBN1-related disorders in the literature. This variant has been identified in 2/251172 chromosomes in the general population by the Genome Aggregation Database (gnomAD). The available evidence is insufficient to determine the role of this variant in disease conclusively. Therefore, this variant is classified as a Variant of Uncertain Significance.

This study involves interpretation of variants in research participants for the purpose of population health screening. Participant phenotype was not available at the time of variant classification. Additional details can be found in publication PMID: 35346344, PMCID: PMC8962531